The following is an entry in ClinVar:

NM_001202.6(BMP4):c.63G>C (p.Ala21=)

Gene: BMP4 (bone morphogenetic protein 4; minus strand). Cytogenetic location: 14q22.2.
Variant type: single nucleotide variant.
Coding change: c.63G>C on transcript NM_001202.6 (MANE Select); coding-DNA position 63, G replaced by C.
Protein change: p.Ala21=; no amino-acid change (alanine 21 retained).
Molecular consequence: synonymous variant. On other transcripts: 5 prime UTR variant (3).
Genome position (GRCh38, 1-based): chr14:53,952,160, C>G on the plus strand (G>C on the coding strand, the complement: BMP4 is on the minus strand). VCF-style: chr14-53952160-C-G. GRCh37 (hg19) VCF-style: chr14-54418878-C-G.
Other names: c.204G>C, p.Ala68= (NM_001347912.1); c.-127G>C (NM_001347913.2, NM_001347915.2, NM_001347917.1); c.63G>C, p.Ala21= (NM_001347914.2, NM_001347916.1, NM_130850.5 and 1 more transcripts); c.63G>C (NM_001202.5).
Identifiers: ClinVar variation 2108289 (VCV002108289.6), dbSNP rs753644986, ClinGen allele CA7191844.

ClinVar aggregate classification (germline): Likely benign. Review status: criteria provided, single submitter (1 of 4 stars). 2 submissions from 2 submitters: Likely benign (1). 1 of the submissions does not count toward it. Last evaluated 2025-09-03.

Conditions:
Microphthalmia with brain and digit anomalies (MCOPS6). Also called: MICROPHTHALMIA AND PITUITARY ANOMALIES; Microphthalmia, syndromic 6. Identifiers: Orphanet 139471, MedGen C1864689, MONDO:0011936, OMIM 607932.
Orofacial cleft 11 (OFC11). Also called: Orofacial cleft 11; ofc11; CLEFT LIP WITH OR WITHOUT CLEFT PALATE, NONSYNDROMIC, 11. Identifiers: MedGen C2677434, MONDO:0010906, OMIM 600625.
BMP4-related disorder. Also called: BMP4-related condition.

Allele frequency attached by ClinVar (database versions not stated): ExAC 0.00005; gnomAD 0.00007; TOPMed 0.00007.

Submissions (2):

Labcorp Genetics (formerly Invitae), Labcorp
Classification: Likely benign for Microphthalmia with brain and digit anomalies; Orofacial cleft 11. Last evaluated: 2025-09-03. Review status: criteria provided, single submitter. Criteria: Invitae Variant Classification Sherloc (09022015). Collection method: clinical testing. Allele origin: germline.

PreventionGenetics, part of Exact Sciences
Classification: Likely benign for BMP4-related condition. Last evaluated: 2019-07-09. Review status: no assertion criteria provided. Collection method: clinical testing. Allele origin: germline. Not counted in ClinVar's aggregate classification.
Comment: This variant is classified as likely benign based on ACMG/AMP sequence variant interpretation guidelines (Richards et al. 2015 PMID: 25741868, with internal and published modifications).